The following is an entry in ClinVar:

NM_001039569.2(AP1S3):c.183-78_183-77insTT

Gene: AP1S3 (adaptor related protein complex 1 subunit sigma 3; minus strand). Cytogenetic location: 2q36.1.
Variant type: Insertion.
Coding change: c.183-78_183-77insTT on transcript NM_001039569.2 (MANE Select); 78 bases into the intron before coding-DNA position 183 through 77 bases into the intron before coding-DNA position 183, TT inserted.
Molecular consequence: intron variant.
Genome position: GRCh38 VCF-style: chr2-223776086-C-CAA. GRCh37 (hg19) VCF-style: chr2-224640803-C-CAA.
Identifiers: ClinVar variation 2628237 (VCV002628237.2), dbSNP rs59118867, ClinGen allele CA2138368.
Genomic context (GRCh38, chr2:223,776,086, plus strand): 5'-ACAAAAGCAAAATATGACAATACATTAAGCAACCTGGAGACAGTTTTTCCCACGAATATG[C>CAA]AGTCACCTCCTCCCCCGCCGAGCCTCTCCTCATCCAAGAATGAAATCATTATTCATCACC-3'

ClinVar aggregate classification (germline): Benign (1 of 4 stars; one submission).

Submission:

Unidad de Genómica Garrahan, Hospital de Pediatría Garrahan
Classification: Benign. Last evaluated: 2023-11-12. Review status: criteria provided, single submitter. Criteria: ACMG Guidelines, 2015. Collection method: clinical testing. Allele origin: germline. Affected: no. Observed: 30 variant alleles.
Comment: This variant is classified as Benign based on local population frequency. This variant was detected in 31% of patients studied by a panel of primary immunodeficiencies. Number of patients: 30. Only high quality variants are reported.